The following is an entry in ClinVar:

NM_005909.5(MAP1B):c.6811T>C (p.Ser2271Pro)

Gene: MAP1B (microtubule associated protein 1B; plus strand). Cytogenetic location: 5q13.2.
Variant type: single nucleotide variant.
Coding change: c.6811T>C on transcript NM_005909.5 (MANE Select); coding-DNA position 6811, T replaced by C.
Protein change: p.Ser2271Pro; replaces serine 2271 with proline.
Molecular consequence: missense variant.
Genome position (GRCh38, 1-based): chr5:72,200,166, T>C. VCF-style: chr5-72200166-T-C. GRCh37 (hg19) VCF-style: chr5-71495993-T-C.
Other names: c.6433T>C, p.Ser2145Pro (NM_001324255.2); short protein forms S2145P, S2271P.
Identifiers: ClinVar variation 2662753 (VCV002662753.1), dbSNP rs2478588320, ClinGen allele CA360023710.

ClinVar aggregate classification (germline): Uncertain significance (1 of 4 stars; one submission).

Submission:

GeneDx
Classification: Uncertain significance. Last evaluated: 2023-04-20. Review status: criteria provided, single submitter. Criteria: GeneDx Variant Classification Process June 2021. Collection method: clinical testing. Allele origin: germline. Affected: yes.
Comment: Not observed at significant frequency in large population cohorts (gnomAD); In silico analysis supports that this missense variant does not alter protein structure/function; Has not been previously published as pathogenic or benign to our knowledge